The following is an entry in ClinVar:

ClinVar aggregate classification (germline): Likely benign. Review status: criteria provided, single submitter (1 of 4 stars). 2 submissions from 2 submitters: Likely benign (1). 1 of the submissions does not count toward it. Last evaluated 2023-04-01.

Conditions:
SPNS2-related disorder. Also called: SPNS2-related condition.

Allele frequency attached by ClinVar (database versions not stated): 1000 Genomes Project 30x 0.00047; 1000 Genomes Project 0.00060; ExAC 0.00205; TOPMed 0.00237; gnomAD 0.00242; ESP Exome Variant Server 0.00252.
gnomAD v4.1: 5,354 of 1,613,314 alleles (0.33%); highest among the groups gnomAD compares: Non-Finnish European, 0.42%; 13 homozygotes.

Submissions (2):

CeGaT Center for Human Genetics Tuebingen
Classification: Likely benign. Last evaluated: 2023-04-01. Review status: criteria provided, single submitter. Criteria: CeGaT Center For Human Genetics Tuebingen Variant Classification Criteria Version 2. Collection method: clinical testing. Allele origin: germline. Affected: yes. Observed: 1 variant allele.
Comment: SPNS2: BP4, BP7

PreventionGenetics, part of Exact Sciences
Classification: Likely benign for SPNS2-related condition. Last evaluated: 2020-01-07. Review status: no assertion criteria provided. Collection method: clinical testing. Allele origin: germline. Not counted in ClinVar's aggregate classification.
Comment: This variant is classified as likely benign based on ACMG/AMP sequence variant interpretation guidelines (Richards et al. 2015 PMID: 25741868, with internal and published modifications).

NM_001124758.3(SPNS2):c.1026C>T (p.Arg342=)

Gene: SPNS2 (SPNS lysolipid transporter 2, sphingosine-1-phosphate; plus strand). Cytogenetic location: 17p13.2.
Variant type: single nucleotide variant.
Coding change: c.1026C>T on transcript NM_001124758.3 (MANE Select); coding-DNA position 1026, C replaced by T.
Protein change: p.Arg342=; no amino-acid change (arginine 342 retained).
Molecular consequence: synonymous variant.
Genome position (GRCh38, 1-based): chr17:4,533,067, C>T. VCF-style: chr17-4533067-C-T. GRCh37 (hg19) VCF-style: chr17-4436362-C-T.
Other names: c.1026C>T (NM_001124758.2).
Identifiers: ClinVar variation 2570967 (VCV002570967.28), dbSNP rs182141708, ClinGen allele CA8303125.